The following is an entry in ClinVar:

NM_004667.6(HERC2):c.10312G>A (p.Asp3438Asn)

Gene: HERC2 (HECT and RLD domain containing E3 ubiquitin protein ligase 2; minus strand). Cytogenetic location: 15q13.1.
Variant type: single nucleotide variant.
Coding change: c.10312G>A on transcript NM_004667.6 (MANE Select); coding-DNA position 10312, G replaced by A.
Protein change: p.Asp3438Asn; replaces aspartic acid 3438 with asparagine.
Molecular consequence: missense variant.
Genome position (GRCh38, 1-based): chr15:28,168,508, C>T on the plus strand (G>A on the coding strand, the complement: HERC2 is on the minus strand). VCF-style: chr15-28168508-C-T. GRCh37 (hg19) VCF-style: chr15-28413654-C-T.
Other names: short protein forms D3438N.
Identifiers: ClinVar variation 4680996 (VCV004680996.1).

ClinVar aggregate classification (germline): Uncertain significance (1 of 4 stars; one submission).

gnomAD v4.1: 11 of 1,614,208 alleles (0.00068%); highest among the groups gnomAD compares: African/African-American, 0.0027%; no homozygotes.

Submission:

GeneDx
Classification: Uncertain significance. Last evaluated: 2025-07-01. Review status: criteria provided, single submitter. Criteria: GeneDx Variant Classification Process June 2021. Collection method: clinical testing. Allele origin: germline. Affected: yes.
Comment: In silico analysis suggests that this missense variant does not alter protein structure/function; Has not been previously published as pathogenic or benign to our knowledge